The following is an entry in ClinVar:

NM_000379.4(XDH):c.3276+3A>G

Gene: XDH (xanthine dehydrogenase; minus strand). Cytogenetic location: 2p23.1.
Variant type: single nucleotide variant.
Coding change: c.3276+3A>G on transcript NM_000379.4 (MANE Select); 3 bases into the intron after coding-DNA position 3276, A replaced by G.
Molecular consequence: intron variant.
Genome position (GRCh38, 1-based): chr2:31,347,519, T>C on the plus strand (A>G on the coding strand, the complement: XDH is on the minus strand). VCF-style: chr2-31347519-T-C. GRCh37 (hg19) VCF-style: chr2-31570385-T-C.
Identifiers: ClinVar variation 2418940 (VCV002418940.6), dbSNP rs1685332575, ClinGen allele CA1028959568.

ClinVar aggregate classification (germline): Uncertain significance (1 of 4 stars; one submission).

Conditions:
Xanthinuria type II. Also called: Xanthine dehydrogenase and aldehyde oxidase combined deficiency of; XDH and AOX dual deficiency. Identifiers: Orphanet 3467, Orphanet 93602, MedGen C1863688, MONDO:0011346, OMIM 603592.

Allele frequency attached by ClinVar (database versions not stated): gnomAD exomes below 0.00001; gnomAD 0.00001.
gnomAD v4.1: 2 of 1,613,598 alleles (0.00012%); highest among the groups gnomAD compares: Admixed American, 0.0033%; no homozygotes.

Submission:

Labcorp Genetics (formerly Invitae), Labcorp
Classification: Uncertain significance for Xanthinuria type II. Last evaluated: 2022-07-05. Review status: criteria provided, single submitter. Criteria: Invitae Variant Classification Sherloc (09022015). Collection method: clinical testing. Allele origin: germline.
Comment: This variant has not been reported in the literature in individuals affected with XDH-related conditions. In summary, the available evidence is currently insufficient to determine the role of this variant in disease. Therefore, it has been classified as a Variant of Uncertain Significance. Variants that disrupt the consensus splice site are a relatively common cause of aberrant splicing (PMID: 17576681, 9536098). Algorithms developed to predict the effect of sequence changes on RNA splicing suggest that this variant is not likely to affect RNA splicing. This variant is not present in population databases (gnomAD no frequency). This sequence change falls in intron 29 of the XDH gene. It does not directly change the encoded amino acid sequence of the XDH protein. It affects a nucleotide within the consensus splice site.

Literature cited by the submitters: PubMed 17576681; PubMed 9536098.